The following is an entry in ClinVar:

NM_004370.6(COL12A1):c.394+5G>A

Gene: COL12A1 (collagen type XII alpha 1 chain; minus strand). Cytogenetic location: 6q13.
Variant type: single nucleotide variant.
Coding change: c.394+5G>A on transcript NM_004370.6 (MANE Select); 5 bases into the intron after coding-DNA position 394, G replaced by A.
Molecular consequence: intron variant.
Genome position (GRCh38, 1-based): chr6:75,191,696, C>T on the plus strand (G>A on the coding strand, the complement: COL12A1 is on the minus strand). VCF-style: chr6-75191696-C-T. GRCh37 (hg19) VCF-style: chr6-75901412-C-T.
Other names: c.73+11024G>A (NM_001424116.1, NM_080645.3); c.394+5G>A (NM_001424115.1, NM_001424114.1, NM_001424113.1).
Identifiers: ClinVar variation 5039747 (VCV005039747.1).
Genomic context (GRCh38, chr6:75,191,696, plus strand): 5'-ATCTGTTCTATCCTACATTTATGACTTCCATGAATCTAAGCAAAAATAGTAAGAGAAACA[C>T]TCACTTTGTATCTCGGTTTTTCCAGGTTTCTTCTCCACTGGCTTTGTCGAACTACCTGTT-3'

ClinVar aggregate classification (germline): Uncertain significance (1 of 4 stars; one submission).

gnomAD v4.1: 5 of 1,591,950 alleles (0.00031%); highest among the groups gnomAD compares: East Asian, 0.0023%; no homozygotes.

Submission:

CeGaT Center for Human Genetics Tuebingen
Classification: Uncertain significance. Last evaluated: 2026-08-01. Review status: criteria provided, single submitter. Criteria: CeGaT Center For Human Genetics Tuebingen Variant Classification Criteria Version 2. Collection method: clinical testing. Allele origin: germline. Affected: yes. Observed: 1 variant allele.
Comment: COL12A1: PM2, PP3